The following is an entry in ClinVar:

ClinVar aggregate classification (germline): Conflicting classifications of pathogenicity. Review status: criteria provided, conflicting classifications (1 of 4 stars). 3 submissions from 3 submitters: Uncertain significance (2); Likely benign (1). Last evaluated 2025-03-24.

Conditions:
Wiedemann-Steiner syndrome (WDSTS). Also called: Growth deficiency and mental retardation with facial dysmorphism. Identifiers: Orphanet 319182, MedGen C1854630, MONDO:0011518, OMIM 605130.
Inborn genetic diseases. Identifiers: MedGen C0950123, MeSH D030342.

Allele frequency attached by ClinVar (database versions not stated): gnomAD 0.00001 and 0.00002; ExAC 0.00002; gnomAD exomes 0.00002.
gnomAD v4.1: 37 of 1,613,948 alleles (0.0023%); highest among the groups gnomAD compares: Admixed American, 0.005%; no homozygotes.

Submissions (3):

Ambry Genetics
Classification: Likely benign for Inborn genetic diseases. Last evaluated: 2025-03-24. Review status: criteria provided, single submitter. Criteria: Ambry Variant Classification Scheme 2023. Collection method: clinical testing. Allele origin: germline.

Labcorp Genetics (formerly Invitae), Labcorp
Classification: Uncertain significance. Last evaluated: 2024-12-15. Review status: criteria provided, single submitter. Criteria: Invitae Variant Classification Sherloc (09022015). Collection method: clinical testing. Allele origin: germline.
Comment: This sequence change replaces proline, which is neutral and non-polar, with leucine, which is neutral and non-polar, at codon 2125 of the KMT2A protein (p.Pro2125Leu). This variant is present in population databases (rs782226750, gnomAD 0.004%). This variant has not been reported in the literature in individuals affected with KMT2A-related conditions. ClinVar contains an entry for this variant (Variation ID: 1461474). Invitae Evidence Modeling of protein sequence and biophysical properties (such as structural, functional, and spatial information, amino acid conservation, physicochemical variation, residue mobility, and thermodynamic stability) indicates that this missense variant is not expected to disrupt KMT2A protein function with a negative predictive value of 95%. In summary, the available evidence is currently insufficient to determine the role of this variant in disease. Therefore, it has been classified as a Variant of Uncertain Significance.

Revvity Omics, Revvity
Classification: Uncertain significance for Wiedemann-Steiner syndrome. Last evaluated: 2021-03-02. Review status: criteria provided, single submitter. Criteria: ACMG Guidelines, 2015. Collection method: clinical testing. Allele origin: germline.

NM_001197104.2(KMT2A):c.6374C>T (p.Pro2125Leu)

Gene: KMT2A (lysine methyltransferase 2A; plus strand). Cytogenetic location: 11q23.3.
Variant type: single nucleotide variant.
Coding change: c.6374C>T on transcript NM_001197104.2 (MANE Select); coding-DNA position 6374, C replaced by T.
Protein change: p.Pro2125Leu; replaces proline 2125 with leucine.
Molecular consequence: missense variant.
Genome position (GRCh38, 1-based): chr11:118,501,726, C>T. VCF-style: chr11-118501726-C-T. GRCh37 (hg19) VCF-style: chr11-118372441-C-T.
Other names: c.6374C>T (NM_001197104.1); c.6365C>T, p.Pro2122Leu (NM_005933.4); short protein forms P2122L, P2125L.
Identifiers: ClinVar variation 1461474 (VCV001461474.11), dbSNP rs782226750, ClinGen allele CA6304238.
Genomic context (GRCh38, chr11:118,501,726, plus strand): 5'-CCACAGAAAGTTCATCAAAAGAGAGTCAAAACACAGCTGAAATTATAAGTCCTCCATCAC[C>T]AGACCGACCTCCTCATTCACAAACCTCTGGCTCCTGTTATTATCATGTCATCTCAAAGGT-3'
Protein context (NP_001184033.1, residues 2115-2135): NTAEIISPPS[Pro2125Leu]DRPPHSQTSG